The following is an entry in ClinVar:

ClinVar aggregate classification (germline): Conflicting classifications of pathogenicity. Review status: criteria provided, conflicting classifications (1 of 4 stars). 7 submissions from 7 submitters: Uncertain significance (1); Benign (2); Likely benign (3). 1 of the submissions does not count toward it. Last evaluated 2026-01-26.

Conditions:
ZFYVE26-related disorder. Also called: ZFYVE26-related condition.
Inborn genetic diseases. Identifiers: MedGen C0950123, MeSH D030342.
Spastic paraplegia. Identifiers: MedGen C0037772, HP:0001258.
Hereditary spastic paraplegia. Also called: Familial spastic paraparesis. Identifiers: Orphanet 685, MedGen C0037773, MONDO:0019064. Disease mechanism: loss of function.
Hereditary spastic paraplegia 15 (SPG15). Also called: SPASTIC PARAPLEGIA AND RETINAL DEGENERATION; SPASTIC PARAPLEGIA 15, AUTOSOMAL RECESSIVE; KJELLIN SYNDROME. Identifiers: Orphanet 100996, MedGen C1849128, MONDO:0010044, OMIM 270700.

Allele frequency attached by ClinVar (database versions not stated): gnomAD exomes 0.00023 and 0.00065; ExAC 0.00087; gnomAD 0.00255 and 0.00276; TOPMed 0.00260; 1000 Genomes Project 30x 0.00265; 1000 Genomes Project 0.00300; ESP Exome Variant Server 0.00408.
gnomAD v4.1: 744 of 1,614,214 alleles (0.046%); highest among the groups gnomAD compares: African/African-American, 0.9%; 4 homozygotes.

Submissions (7):

Labcorp Genetics (formerly Invitae), Labcorp
Classification: Benign for Spastic paraplegia. Last evaluated: 2026-01-26. Review status: criteria provided, single submitter. Criteria: Invitae Variant Classification Sherloc (09022015). Collection method: clinical testing. Allele origin: germline.

CeGaT Center for Human Genetics Tuebingen
Classification: Likely benign. Last evaluated: 2024-04-01. Review status: criteria provided, single submitter. Criteria: CeGaT Center For Human Genetics Tuebingen Variant Classification Criteria Version 2. Collection method: clinical testing. Allele origin: germline. Affected: yes. Observed: 1 variant allele.
Comment: ZFYVE26: BP4, BS2

Ambry Genetics
Classification: Likely benign for Inborn genetic diseases. Last evaluated: 2022-07-26. Review status: criteria provided, single submitter. Criteria: Ambry Variant Classification Scheme 2023. Collection method: clinical testing. Allele origin: germline.

Genome Diagnostics Laboratory, The Hospital for Sick Children
Classification: Likely benign for Hereditary spastic paraplegia. Last evaluated: 2018-11-01. Review status: criteria provided, single submitter. Criteria: ACMG Guidelines, 2015. Collection method: clinical testing. Allele origin: germline. Affected: yes.

Illumina Laboratory Services, Illumina
Classification: Uncertain significance for Hereditary spastic paraplegia 15. Last evaluated: 2018-01-13. Review status: criteria provided, single submitter. Criteria: ICSL Variant Classification Criteria 13 December 2019. Collection method: clinical testing. Allele origin: germline.

Eurofins Ntd Llc (ga)
Classification: Benign. Last evaluated: 2016-08-26. Review status: criteria provided, single submitter. Criteria: EGL Classification Definitions 2015. Collection method: clinical testing. Allele origin: germline. Observed: 1 variant allele, 1 heterozygote.

PreventionGenetics, part of Exact Sciences
Classification: Benign for ZFYVE26-related condition. Last evaluated: 2019-09-23. Review status: no assertion criteria provided. Collection method: clinical testing. Allele origin: germline. Not counted in ClinVar's aggregate classification.
Comment: This variant is classified as benign based on ACMG/AMP sequence variant interpretation guidelines (Richards et al. 2015 PMID: 25741868, with internal and published modifications).

NM_015346.4(ZFYVE26):c.4264G>A (p.Val1422Met)

Gene: ZFYVE26 (zinc finger FYVE-type containing 26; minus strand). Cytogenetic location: 14q24.1.
Variant type: single nucleotide variant.
Coding change: c.4264G>A on transcript NM_015346.4 (MANE Select); coding-DNA position 4264, G replaced by A.
Protein change: p.Val1422Met; replaces valine 1422 with methionine.
Molecular consequence: missense variant.
Genome position (GRCh38, 1-based): chr14:67,782,888, C>T on the plus strand (G>A on the coding strand, the complement: ZFYVE26 is on the minus strand). VCF-style: chr14-67782888-C-T. GRCh37 (hg19) VCF-style: chr14-68249605-C-T.
Other names: short protein forms V1422M.
Identifiers: ClinVar variation 289455 (VCV000289455.44), dbSNP rs148552744, ClinGen allele CA7239812.
Genomic context (GRCh38, chr14:67,782,888, plus strand): 5'-CGTCCACATCTCGCCCGTACACTTCAGTGAGCTGAAGGGCCCGGGACCAATCTCTGGCCA[C>T]CAAGGATTCCTCAAAAGCCTCACTCAGTACATCTAGGGCAATGGGAGAATGTAGGCCCAG-3'
Protein context (NP_056161.2, residues 1412-1432): VLSEAFEESL[Val1422Met]ARDWSRALQL